The following is an entry in ClinVar:

ClinVar aggregate classification (germline): Uncertain significance. Review status: criteria provided, multiple submitters, no conflicts (2 of 4 stars). 2 submissions from 2 submitters: Uncertain significance (2). Last evaluated 2025-01-21.

Allele frequency attached by ClinVar (database versions not stated): gnomAD 0.00017; TOPMed 0.00018; ESP Exome Variant Server 0.00031; 1000 Genomes Project 0.00060; 1000 Genomes Project 30x 0.00062.
gnomAD v4.1: 90 of 1,377,438 alleles (0.0065%); highest among the groups gnomAD compares: African/African-American, 0.046%; 1 homozygote.

Submissions (2):

Ambry Genetics
Classification: Uncertain significance. Last evaluated: 2025-01-21. Review status: criteria provided, single submitter. Criteria: Ambry Variant Classification Scheme 2023. Collection method: clinical testing. Allele origin: germline.

Labcorp Genetics (formerly Invitae), Labcorp
Classification: Uncertain significance. Last evaluated: 2022-04-29. Review status: criteria provided, single submitter. Criteria: Invitae Variant Classification Sherloc (09022015). Collection method: clinical testing. Allele origin: germline.
Comment: In summary, the available evidence is currently insufficient to determine the role of this variant in disease. Therefore, it has been classified as a Variant of Uncertain Significance. Algorithms developed to predict the effect of missense changes on protein structure and function output the following: SIFT: "Tolerated"; PolyPhen-2: "Benign"; Align-GVGD: "Class C0". The threonine amino acid residue is found in multiple mammalian species, which suggests that this missense change does not adversely affect protein function. This variant has not been reported in the literature in individuals affected with FAT2-related conditions. This variant is present in population databases (rs142737825, gnomAD 0.06%), and has an allele count higher than expected for a pathogenic variant. This sequence change replaces alanine, which is neutral and non-polar, with threonine, which is neutral and polar, at codon 1078 of the FAT2 protein (p.Ala1078Thr).

NM_001447.3(FAT2):c.3232G>A (p.Ala1078Thr)

Gene: FAT2 (FAT atypical cadherin 2; minus strand). Cytogenetic location: 5q33.1.
Variant type: single nucleotide variant.
Coding change: c.3232G>A on transcript NM_001447.3 (MANE Select); coding-DNA position 3232, G replaced by A.
Protein change: p.Ala1078Thr; replaces alanine 1078 with threonine.
Molecular consequence: missense variant.
Genome position (GRCh38, 1-based): chr5:151,565,700, C>T on the plus strand (G>A on the coding strand, the complement: FAT2 is on the minus strand). VCF-style: chr5-151565700-C-T. GRCh37 (hg19) VCF-style: chr5-150945261-C-T.
Other names: c.3232G>A (NM_001447.2); short protein forms A1078T.
Identifiers: ClinVar variation 2148807 (VCV002148807.5), dbSNP rs142737825, ClinGen allele CA3521891.